The following is an entry in ClinVar:

ClinVar aggregate classification (germline): Conflicting classifications of pathogenicity. Review status: criteria provided, conflicting classifications (1 of 4 stars). 2 submissions from 2 submitters: Uncertain significance (1); Likely benign (1). Last evaluated 2025-08-30.

Conditions:
Inborn genetic diseases. Identifiers: MedGen C0950123, MeSH D030342.

gnomAD v4.1: 3 of 1,613,872 alleles (0.00019%); highest among the groups gnomAD compares: African/African-American, 0.004%; no homozygotes.

Submissions (2):

Ambry Genetics
Classification: Likely benign for Inborn genetic diseases. Last evaluated: 2025-08-30. Review status: criteria provided, single submitter. Criteria: Ambry Variant Classification Scheme 2023. Collection method: clinical testing. Allele origin: germline.

Labcorp Genetics (formerly Invitae), Labcorp
Classification: Uncertain significance. Last evaluated: 2022-03-02. Review status: criteria provided, single submitter. Criteria: Invitae Variant Classification Sherloc (09022015). Collection method: clinical testing. Allele origin: germline.
Comment: In summary, the available evidence is currently insufficient to determine the role of this variant in disease. Therefore, it has been classified as a Variant of Uncertain Significance. Algorithms developed to predict the effect of missense changes on protein structure and function output the following: SIFT: "Tolerated"; PolyPhen-2: "Benign"; Align-GVGD: "Class C0". The leucine amino acid residue is found in multiple mammalian species, which suggests that this missense change does not adversely affect protein function. This variant has not been reported in the literature in individuals affected with RBP4-related conditions. This variant is not present in population databases (gnomAD no frequency). This sequence change replaces valine, which is neutral and non-polar, with leucine, which is neutral and non-polar, at codon 134 of the RBP4 protein (p.Val134Leu).

NM_006744.4(RBP4):c.400G>C (p.Val134Leu)

Gene: RBP4 (retinol binding protein 4; minus strand). Cytogenetic location: 10q23.33.
Variant type: single nucleotide variant.
Coding change: c.400G>C on transcript NM_006744.4 (MANE Select); coding-DNA position 400, G replaced by C.
Protein change: p.Val134Leu; replaces valine 134 with leucine.
Molecular consequence: missense variant.
Genome position (GRCh38, 1-based): chr10:93,593,991, C>G on the plus strand (G>C on the coding strand, the complement: RBP4 is on the minus strand). VCF-style: chr10-93593991-C-G. GRCh37 (hg19) VCF-style: chr10-95353748-C-G.
Other names: c.400G>C, p.Val134Leu (NM_001323517.1); c.394G>C, p.Val132Leu (NM_001323518.2); c.400G>C (NM_006744.3); short protein forms V132L, V134L.
Identifiers: ClinVar variation 1410577 (VCV001410577.7), dbSNP rs557609728, ClinGen allele CA377615858.